The following is an entry in ClinVar:

ClinVar aggregate classification (germline): Pathogenic (1 of 4 stars; one submission).

Conditions:
Cystic fibrosis (CF). Also called: MUCOVISCIDOSIS. Identifiers: Orphanet 586, MedGen C0010674, MONDO:0009061, OMIM 219700. Disease mechanism: loss of function.

Submission:

Institute of Human Genetics, University of Leipzig Medical Center
Classification: Pathogenic for Cystic fibrosis. Last evaluated: 2022-09-05. Review status: criteria provided, single submitter. Criteria: ACMG Guidelines, 2015. Collection method: curation. Allele origin: unknown. Affected: yes. Observed: 1 variant allele.
Comment: The variant was classified in the context of a project re-classifying variants in the German Cystic Fibrosis Registry (Muko.e.V.). Criteria applied: PVS1, PM2_SUP, PM3, PM5

NM_000492.4(CFTR):c.3294del (p.Trp1098fs)

Genes: CFTR-AS2 (CFTR antisense RNA 2; minus strand), CFTR (CF transmembrane conductance regulator; plus strand), LOC111674472 (DNase I hypersensitive sites in introns 16 and 17a of CFTR; plus strand). Cytogenetic location: 7q31.2.
Variant type: Deletion.
Coding change: c.3294del on transcript NM_000492.4 (MANE Select); coding-DNA position 3294, one base deleted (G; older notation c.3294delG).
Protein change: p.Trp1098fs; shifts the reading frame from tryptophan 1098.
Molecular consequence: frameshift variant.
Genome position (GRCh38, 1-based): chr7:117,611,735, G deleted; the last of 2 consecutive G bases (chr7:117,611,734-117,611,735); deleting either gives the same sequence. VCF-style (leftmost placement, unchanged base first): chr7-117611733-TG-T. GRCh37 (hg19) VCF-style: chr7-117251787-TG-T.
Other names: 3425delG; c.3294delG (NM_000492.3); short protein forms W1098fs.
Identifiers: ClinVar variation 1706070 (VCV001706070.1), dbSNP rs397508534, ClinGen allele CA327134.